The following is an entry in ClinVar:

ClinVar aggregate classification (germline): Uncertain significance (1 of 4 stars; one submission).

gnomAD v4.1: 1 of 1,596,206 alleles (0.000063%); highest among the groups gnomAD compares: Non-Finnish European, 0.000085%; no homozygotes.

Submission:

Labcorp Genetics (formerly Invitae), Labcorp
Classification: Uncertain significance. Last evaluated: 2024-12-09. Review status: criteria provided, single submitter. Criteria: Invitae Variant Classification Sherloc (09022015). Collection method: clinical testing. Allele origin: germline.
Comment: This sequence change replaces threonine, which is neutral and polar, with alanine, which is neutral and non-polar, at codon 253 of the CDH23 protein (p.Thr253Ala). This variant is not present in population databases (gnomAD no frequency). This variant has not been reported in the literature in individuals affected with CDH23-related conditions. Invitae Evidence Modeling of protein sequence and biophysical properties (such as structural, functional, and spatial information, amino acid conservation, physicochemical variation, residue mobility, and thermodynamic stability) has been performed for this missense variant. However, the output from this modeling did not meet the statistical confidence thresholds required to predict the impact of this variant on CDH23 protein function. In summary, the available evidence is currently insufficient to determine the role of this variant in disease. Therefore, it has been classified as a Variant of Uncertain Significance.

NM_022124.6(CDH23):c.757A>G (p.Thr253Ala)

Gene: CDH23 (cadherin related 23; plus strand). Cytogenetic location: 10q22.1.
Variant type: single nucleotide variant.
Coding change: c.757A>G on transcript NM_022124.6 (MANE Select); coding-DNA position 757, A replaced by G.
Protein change: p.Thr253Ala; replaces threonine 253 with alanine.
Molecular consequence: missense variant.
Genome position (GRCh38, 1-based): chr10:71,577,917, A>G. VCF-style: chr10-71577917-A-G. GRCh37 (hg19) VCF-style: chr10-73337674-A-G.
Other names: c.757A>G, p.Thr253Ala (NM_001171930.2, NM_001171931.2, NM_001171932.2 and 1 more transcripts); short protein forms T253A.
Identifiers: ClinVar variation 3636945 (VCV003636945.2).
Genomic context (GRCh38, chr10:71,577,917, plus strand): 5'-CAAAGAAAGACAGCAGCCAGGGGACCCAAACTCAAGTCCCTCCTCTCTTCTGCCCAGGGC[A>G]CGACGGTGCGCATCATCACCGCCATAGACCAGGATAAAGGACGTCCCCGGGGCATTGGCT-3'
Protein context (NP_071407.4, residues 243-263): TNIYEHSPPG[Thr253Ala]TVRIITAIDQ